The following is an entry in ClinVar:

ClinVar aggregate classification (germline): Likely pathogenic (1 of 4 stars; one submission).

Conditions:
Hereditary factor VIII deficiency disease (HEMA). Also called: AUTOSOMAL HEMOPHILIA A; Hemophilia A, congenital; HEM A; Factor 8 deficiency, congenital; HEMOPHILIA, CLASSIC; Hemophilia A. Identifiers: Orphanet 98878, MedGen C0019069, MONDO:0010602, OMIM 306700.

Allele frequency attached by ClinVar (database versions not stated): TOPMed 0.00001.

Submission:

ARUP Laboratories, Molecular Genetics and Genomics, ARUP Laboratories
Classification: Likely pathogenic for Hereditary factor VIII deficiency disease. Last evaluated: 2019-11-21. Review status: criteria provided, single submitter. Criteria: ARUP Molecular Germline Variant Investigation Process. Collection method: clinical testing. Allele origin: germline.
Comment: The F8 c.5875A>T; p.Ile1959Phe variant is reported in the literature in at least one individual affected with moderate hemophilia A (Johnsen 2017, see link to F8 database). This variant is absent from general population databases (Exome Variant Server, Genome Aggregation Database), indicating it is not a common polymorphism. The isoleucine at codon 1959 is moderately conserved, and computational analyses (SIFT, PolyPhen-2) predict that this variant is deleterious. Based on available information, this variant is considered to be likely pathogenic. References: Link to F8 database: Johnsen JM et al. Novel approach to genetic analysis and results in 3000 hemophilia patients enrolled in the My Life, Our Future initiative. Blood Adv. 2017 May 18;1(13):824-834.

NM_000132.4(F8):c.5875A>T (p.Ile1959Phe)

Gene: F8 (coagulation factor VIII; minus strand). Cytogenetic location: Xq28.
Variant type: single nucleotide variant.
Coding change: c.5875A>T on transcript NM_000132.4 (MANE Select); coding-DNA position 5875, A replaced by T.
Protein change: p.Ile1959Phe; replaces isoleucine 1959 with phenylalanine.
Molecular consequence: missense variant.
Genome position (GRCh38, 1-based): chrX:154,904,029, T>A on the plus strand (A>T on the coding strand, the complement: F8 is on the minus strand). VCF-style: chrX-154904029-T-A. GRCh37 (hg19) VCF-style: chrX-154132304-T-A.
Other names: short protein forms I1959F.
Identifiers: ClinVar variation 993328 (VCV000993328.8), dbSNP rs1411617809, ClinGen allele CA414906294.
Genomic context (GRCh38, chrX:154,904,029, plus strand): 5'-CACTGAAATGAATAGAATGGATGTTTTCATTGCTGCCCATGCTGAGCAGATACCATCGAA[T>A]CCTTTGATCCTGAGCCATTACTAAGCCAGGTAGTGTATCCATTATGTAGCCATTGATTGC-3'
Protein context (NP_000123.1, residues 1949-1969): PGLVMAQDQR[Ile1959Phe]RWYLLSMGSN